The following is an entry in ClinVar:

NM_001848.3(COL6A1):c.1125G>T (p.Glu375Asp)

Gene: COL6A1 (collagen type VI alpha 1 chain; plus strand). Cytogenetic location: 21q22.3.
Variant type: single nucleotide variant.
Coding change: c.1125G>T on transcript NM_001848.3 (MANE Select); coding-DNA position 1125, G replaced by T.
Protein change: p.Glu375Asp; replaces glutamic acid 375 with aspartic acid.
Molecular consequence: missense variant.
Genome position (GRCh38, 1-based): chr21:45,992,015, G>T. VCF-style: chr21-45992015-G-T. GRCh37 (hg19) VCF-style: chr21-47411929-G-T.
Other names: short protein forms E375D.
Identifiers: ClinVar variation 2070605 (VCV002070605.4), dbSNP rs773375525, ClinGen allele CA410524621.
Genomic context (GRCh38, chr21:45,992,015, plus strand): 5'-TGCACCCCTGGTGCACACCCCTGCCAGCGTGTGTGACTCCCCCGGTCTTCCCCAGGGCGA[G>T]CCTGGAGCTGACGGGGAGGCGGGGAGACCAGGGAGCTCGGGACCATCTGGAGACGAGGTG-3'
Protein context (NP_001839.2, residues 365-385): GAFGLKGEKG[Glu375Asp]PGADGEAGRP

ClinVar aggregate classification (germline): Uncertain significance (1 of 4 stars; one submission).

Conditions:
Bethlem myopathy 1A. Also called: MYOPATHY, BENIGN CONGENITAL, WITH CONTRACTURES; Bethlem Muscular Dystrophy; Bethlem myopathy 1. Identifiers: Orphanet 610, MedGen CN029274, MONDO:0024530, OMIM 158810.

Submission:

Labcorp Genetics (formerly Invitae), Labcorp
Classification: Uncertain significance for Bethlem myopathy 1A. Last evaluated: 2025-08-18. Review status: criteria provided, single submitter. Criteria: Invitae Variant Classification Sherloc (09022015). Collection method: clinical testing. Allele origin: germline.
Comment: This sequence change replaces glutamic acid, which is acidic and polar, with aspartic acid, which is acidic and polar, at codon 375 of the COL6A1 protein (p.Glu375Asp). This variant is not present in population databases (gnomAD no frequency). This variant has not been reported in the literature in individuals affected with COL6A1-related conditions. ClinVar contains an entry for this variant (Variation ID: 2070605). Invitae Evidence Modeling of protein sequence and biophysical properties (such as structural, functional, and spatial information, amino acid conservation, physicochemical variation, residue mobility, and thermodynamic stability) indicates that this missense variant is not expected to disrupt COL6A1 protein function with a negative predictive value of 95%. In summary, the available evidence is currently insufficient to determine the role of this variant in disease. Therefore, it has been classified as a Variant of Uncertain Significance.